The following is an entry in ClinVar:

NM_000426.4(LAMA2):c.1715C>T (p.Ala572Val)

Gene: LAMA2 (laminin subunit alpha 2; plus strand). Cytogenetic location: 6q22.33.
Variant type: single nucleotide variant.
Coding change: c.1715C>T on transcript NM_000426.4 (MANE Select); coding-DNA position 1715, C replaced by T.
Protein change: p.Ala572Val; replaces alanine 572 with valine.
Molecular consequence: missense variant.
Genome position (GRCh38, 1-based): chr6:129,192,786, C>T. VCF-style: chr6-129192786-C-T. GRCh37 (hg19) VCF-style: chr6-129513931-C-T.
Other names: c.1715C>T, p.Ala572Val (NM_001079823.2); short protein forms A572V.
Identifiers: ClinVar variation 355253 (VCV000355253.9), dbSNP rs149811988, ClinGen allele CA3992707.

ClinVar aggregate classification (germline): Conflicting classifications of pathogenicity. Review status: criteria provided, conflicting classifications (1 of 4 stars). 5 submissions from 5 submitters: Uncertain significance (4); Likely benign (1). Last evaluated 2024-04-01.

Conditions:
Merosin deficient congenital muscular dystrophy (MDC1A). Also called: Congenital merosin-deficient muscular dystrophy 1A; Congenital Muscular Dystrophy Type 1A (MDC1A). Identifiers: Orphanet 258, MedGen C1263858, MONDO:0011925, OMIM 607855.
Muscular dystrophy, limb-girdle, autosomal recessive 23. Identifiers: Orphanet 565837, MedGen C4748327, MONDO:0029136, OMIM 618138.
Inborn genetic diseases. Identifiers: MedGen C0950123, MeSH D030342.
Congenital muscular dystrophy due to partial LAMA2 deficiency. Identifiers: MedGen C1842898.
LAMA2-related muscular dystrophy (LAMA2-RD). Also called: Laminin alpha 2-related dystrophy. Identifiers: MedGen C5679788, MONDO:0100228.

Allele frequency attached by ClinVar (database versions not stated): gnomAD 0.00001; ExAC 0.00002; gnomAD exomes 0.00002 and 0.00003; TOPMed 0.00002; ESP Exome Variant Server 0.00015.
gnomAD v4.1: 32 of 1,614,054 alleles (0.002%); highest among the groups gnomAD compares: South Asian, 0.0099%; no homozygotes.

Submissions (5):

Ambry Genetics
Classification: Uncertain significance for Inborn genetic diseases. Last evaluated: 2024-04-01. Review status: criteria provided, single submitter. Criteria: Ambry Variant Classification Scheme 2023. Collection method: clinical testing. Allele origin: germline.

Fulgent Genetics
Classification: Uncertain significance for Merosin deficient congenital muscular dystrophy; Muscular dystrophy, limb-girdle, autosomal recessive 23. Last evaluated: 2024-03-18. Review status: criteria provided, single submitter. Criteria: ACMG Guidelines, 2015. Collection method: clinical testing. Allele origin: germline.

Blueprint Genetics
Classification: Likely benign. Last evaluated: 2022-08-09. Review status: criteria provided, single submitter. Criteria: ACMG Guidelines, 2015. Collection method: clinical testing. Allele origin: germline.

Labcorp Genetics (formerly Invitae), Labcorp
Classification: Uncertain significance for LAMA2-related muscular dystrophy. Last evaluated: 2021-09-01. Review status: criteria provided, single submitter. Criteria: Invitae Variant Classification Sherloc (09022015). Collection method: clinical testing. Allele origin: germline.
Comment: This sequence change replaces alanine with valine at codon 572 of the LAMA2 protein (p.Ala572Val). The alanine residue is weakly conserved and there is a small physicochemical difference between alanine and valine. This variant is present in population databases (rs149811988, ExAC 0.005%). This variant has not been reported in the literature in individuals affected with LAMA2-related conditions. ClinVar contains an entry for this variant (Variation ID: 355253). Algorithms developed to predict the effect of missense changes on protein structure and function output the following: SIFT: "Tolerated"; PolyPhen-2: "Benign"; Align-GVGD: "Class C0". The valine amino acid residue is found in multiple mammalian species, which suggests that this missense change does not adversely affect protein function. In summary, the available evidence is currently insufficient to determine the role of this variant in disease. Therefore, it has been classified as a Variant of Uncertain Significance.

Illumina Laboratory Services, Illumina
Classification: Uncertain significance for Congenital muscular dystrophy due to partial LAMA2 deficiency. Last evaluated: 2018-01-13. Review status: criteria provided, single submitter. Criteria: ICSL Variant Classification Criteria 13 December 2019. Collection method: clinical testing. Allele origin: germline.